The following is an entry in ClinVar:

ClinVar aggregate classification (germline): Uncertain significance. Review status: criteria provided, multiple submitters, no conflicts (2 of 4 stars). 3 submissions from 3 submitters: Uncertain significance (3). Last evaluated 2025-11-08.

Conditions:
Pyogenic arthritis-pyoderma gangrenosum-acne syndrome (PAPA). Also called: FAMILIAL RECURRENT ARTHRITIS; PAPA SYNDROME. Identifiers: Orphanet 69126, MedGen C1858361, MONDO:0011462, OMIM 604416.
Autoinflammatory syndrome. Identifiers: Orphanet 93665, MedGen C3890737, MONDO:0019751.
Hyperzincemia and hypercalprotectinemia (AICZC). Also called: Hyperzincemia with functional zinc depletion; HZHC SYNDROME. Identifiers: Orphanet 251523, MedGen C4760957, MONDO:0011174, OMIM 601979.

Allele frequency attached by ClinVar (database versions not stated): gnomAD exomes below 0.00001; ExAC 0.00001.
gnomAD v4.1: 3 of 1,612,444 alleles (0.00019%); highest among the groups gnomAD compares: South Asian, 0.0022%; no homozygotes.

Submissions (3):

3billion
Classification: Uncertain significance for Hyperzincemia and hypercalprotectinemia. Last evaluated: 2025-11-08. Review status: criteria provided, single submitter. Criteria: ACMG Guidelines, 2015. Collection method: clinical testing. Allele origin: germline. Affected: yes.
Comment: The variant is observed at an extremely low frequency in the gnomAD v4.1.0 dataset (total allele frequency: <0.001%). Predicted Consequence/Location: Missense variant. Missense changes are a common disease-causing mechanism. In silico tool predictions suggest no damaging effect of the variant on gene or gene product [REVEL: 0.17 (<0.4); 3Cnet: 0.05 (<0.1, specificity 0.84 and negative predicitive value 0.97)]. The variant has been reported as of uncertain significance (ClinVar ID: VCV001372012). Therefore, this variant is classified as VUS according to the recommendation of ACMG/AMP guideline.

Labcorp Genetics (formerly Invitae), Labcorp
Classification: Uncertain significance for Pyogenic arthritis-pyoderma gangrenosum-acne syndrome. Last evaluated: 2022-10-17. Review status: criteria provided, single submitter. Criteria: Invitae Variant Classification Sherloc (09022015). Collection method: clinical testing. Allele origin: germline.
Comment: Advanced modeling of protein sequence and biophysical properties (such as structural, functional, and spatial information, amino acid conservation, physicochemical variation, residue mobility, and thermodynamic stability) performed at Invitae indicates that this missense variant is not expected to disrupt PSTPIP1 protein function. In summary, the available evidence is currently insufficient to determine the role of this variant in disease. Therefore, it has been classified as a Variant of Uncertain Significance. ClinVar contains an entry for this variant (Variation ID: 1372012). This variant has not been reported in the literature in individuals affected with PSTPIP1-related conditions. This variant is present in population databases (rs781437901, gnomAD 0.003%). This sequence change replaces glutamic acid, which is acidic and polar, with lysine, which is basic and polar, at codon 393 of the PSTPIP1 protein (p.Glu393Lys).

Genome Diagnostics Laboratory, The Hospital for Sick Children
Classification: Uncertain significance for Autoinflammatory syndrome. Last evaluated: 2019-11-01. Review status: criteria provided, single submitter. Criteria: ACMG Guidelines, 2015. Collection method: clinical testing. Allele origin: germline. Affected: yes.

NM_003978.5(PSTPIP1):c.1177G>A (p.Glu393Lys)

Gene: PSTPIP1 (proline-serine-threonine phosphatase interacting protein 1; plus strand). Cytogenetic location: 15q24.3.
Variant type: single nucleotide variant.
Coding change: c.1177G>A on transcript NM_003978.5 (MANE Select); coding-DNA position 1177, G replaced by A.
Protein change: p.Glu393Lys; replaces glutamic acid 393 with lysine.
Molecular consequence: missense variant. On other transcripts: non-coding transcript variant (1).
Genome position (GRCh38, 1-based): chr15:77,037,102, G>A. VCF-style: chr15-77037102-G-A. GRCh37 (hg19) VCF-style: chr15-77329443-G-A.
Other names: c.1120G>A, p.Glu374Lys (NM_001321135.2); c.1150G>A, p.Glu384Lys (NM_001321136.2); c.1372G>A, p.Glu458Lys (NM_001321137.1); short protein forms E458K, E384K, E393K, E374K.
Identifiers: ClinVar variation 1372012 (VCV001372012.12), dbSNP rs781437901, ClinGen allele CA7676217.